The following is an entry in ClinVar:

ClinVar aggregate classification (germline): Conflicting classifications of pathogenicity. Review status: criteria provided, conflicting classifications (1 of 4 stars). 4 submissions from 4 submitters: Pathogenic (1); Likely pathogenic (1); Uncertain significance (2). Last evaluated 2025-09-04.

Conditions:
Inborn genetic diseases. Identifiers: MedGen C0950123, MeSH D030342.
Malignant hyperthermia, susceptibility to, 1 (MHS1). Also called: Anesthesia related hyperthermia; Malignant hyperpyrexia; Fulminating hyperpyrexia; Pharmacogenic myopathy; RYR1-Related Malignant Hyperthermia Susceptibility; Malignant hyperthermia suceptibility 1. Identifiers: Orphanet 423, MedGen C2930980, MONDO:0007783, OMIM 145600.

Allele frequency attached by ClinVar (database versions not stated): gnomAD exomes below 0.00001; gnomAD 0.00001.

Submissions (4):

Color Diagnostics, LLC DBA Color Health
Classification: Uncertain significance for Malignant hyperthermia, susceptibility to, 1. Last evaluated: 2025-09-04. Review status: criteria provided, single submitter. Criteria: ACMG Guidelines, 2015. Collection method: clinical testing. Allele origin: germline.
Comment: This pathogenicity assessment is for autosomal dominant malignant hyperthermia susceptibility phenotype. This frameshift variant is predicted to result in an absent RYR1 protein product. Loss of RYR1 function due to haploinsufficiency is associated with congenital myopathy, but it is not an established disease mechanism for autosomal dominant malignant hyperthermia susceptibility. Therefore, this variant is classified as a Variant of Uncertain Significance for malignant hyperthermia susceptibility.

All of Us Research Program, National Institutes of Health
Classification: Uncertain significance for Malignant hyperthermia, susceptibility to, 1. Last evaluated: 2024-03-05. Review status: criteria provided, single submitter. Criteria: ACMG Guidelines, 2015. Collection method: clinical testing. Allele origin: germline. Inheritance: Autosomal dominant inheritance. Observed: 1 variant allele, 1 heterozygote.
Comment: This pathogenicity assessment is for autosomal dominant malignant hyperthermia susceptibility phenotype. This frameshift variant is predicted to result in an absent RYR1 protein product. Loss of RYR1 function due to haploinsufficiency is associated with congenital myopathy, but it is not an established disease mechanism for autosomal dominant malignant hyperthermia susceptibility. Therefore, this variant is classified as a Variant of Uncertain Significance for malignant hyperthermia susceptibility.

This study involves interpretation of variants in research participants for the purpose of population health screening. Participant phenotype was not available at the time of variant classification. Additional details can be found in publication PMID: 35346344, PMCID: PMC8962531

GeneDx
Classification: Likely pathogenic. Last evaluated: 2023-04-04. Review status: criteria provided, single submitter. Criteria: GeneDx Variant Classification Process June 2021. Collection method: clinical testing. Allele origin: germline. Affected: yes.
Comment: Reported heterozygous in a neonate undergoing diagnostic exome sequencing; no specific clinical information provided (Powis et al., 2018); Frameshift variant predicted to result in protein truncation or nonsense mediated decay in a gene for which loss of function is a known mechanism of disease; Not observed at significant frequency in large population cohorts (gnomAD); This variant is associated with the following publications: (PMID: 29565416)

Ambry Genetics
Classification: Pathogenic for Inborn genetic diseases. Last evaluated: 2015-07-07. Review status: criteria provided, single submitter. Criteria: Ambry exome assertion method (8-5-2015). Collection method: clinical testing. Allele origin: germline. Affected: yes. Observed: 1 variant allele.

NM_000540.3(RYR1):c.5115_5122del (p.Leu1706fs)

Gene: RYR1 (ryanodine receptor 1; plus strand). Cytogenetic location: 19q13.2.
Variant type: Deletion.
Coding change: c.5115_5122del on transcript NM_000540.3 (MANE Select); coding-DNA positions 5115 to 5122, 8 bases deleted (ACTGCGCG; older notation c.5115_5122delACTGCGCG).
Protein change: p.Leu1706fs; shifts the reading frame from leucine 1706.
Molecular consequence: frameshift variant.
Genome position (GRCh38, 1-based): chr19:38,485,770-38,485,777, ACTGCGCG deleted. VCF-style (leftmost placement, unchanged base first): chr19-38485769-CACTGCGCG-C. GRCh37 (hg19) VCF-style: chr19-38976409-CACTGCGCG-C.
Other names: c.5115_5122del, p.Leu1706fs (NM_001042723.2); c.5115_5122del (NM_000540.2); c.5115_5122delACTGCGCG (NM_000540.2); short protein forms L1706fs.
Identifiers: ClinVar variation 520725 (VCV000520725.7), dbSNP rs1248355799, ClinGen allele CA633066586.